The following is an entry in ClinVar:

ClinVar aggregate classification (germline): Uncertain significance. Review status: criteria provided, multiple submitters, no conflicts (2 of 4 stars). 2 submissions from 2 submitters: Uncertain significance (2). Last evaluated 2025-08-24.

Conditions:
Cardiovascular phenotype. Identifiers: MedGen CN230736.
Anterior segment dysgenesis. Also called: Ocular anterior segment dysgenesis. Identifiers: Orphanet 88632, MedGen C1862839, MONDO:0019503, HP:0007700.
Congenital primary aphakia. Also called: ANTERIOR SEGMENT DYSGENESIS 2; Anterior segment dysgenesis 2, multiple subtypes. Identifiers: Orphanet 83461, MedGen C1853230, MONDO:0012456, OMIM 610256.

Submissions (2):

Labcorp Genetics (formerly Invitae), Labcorp
Classification: Uncertain significance for Anterior segment dysgenesis; Congenital primary aphakia. Last evaluated: 2025-08-24. Review status: criteria provided, single submitter. Criteria: Invitae Variant Classification Sherloc (09022015). Collection method: clinical testing. Allele origin: germline.
Comment: This variant, c.834_839dup, results in the insertion of 2 amino acid(s) of the FOXE3 protein (p.Gly279_Pro280dup), but otherwise preserves the integrity of the reading frame. This variant is not present in population databases (gnomAD no frequency). This variant has not been reported in the literature in individuals affected with FOXE3-related conditions. In summary, the available evidence is currently insufficient to determine the role of this variant in disease. Therefore, it has been classified as a Variant of Uncertain Significance.

Ambry Genetics
Classification: Uncertain significance for Cardiovascular phenotype. Last evaluated: 2021-05-25. Review status: criteria provided, single submitter. Criteria: Ambry Variant Classification Scheme 2023. Collection method: clinical testing. Allele origin: germline.
Comment: The c.834_839dupCGGCCC variant (also known as p.G279_P280dup), located in coding exon 1 of the FOXE3 gene, results from an in-frame duplication of CGGCCC at nucleotide positions 834 to 839. This results in the duplication of 2 extra residues (GP) between codons 279 and 280. This amino acid region is not well conserved in available vertebrate species. In addition, this alteration is predicted to be neutral by in silico analysis (Choi Y et al. PLoS ONE. 2012; 7(10):e46688). Since supporting evidence is limited at this time, the clinical significance of this alteration remains unclear.

NM_012186.3(FOXE3):c.828CGGCCC[3] (p.Pro280_Leu281insGlyPro)

Genes: LINC01389 (long independently transcribed non-coding RNA 1389; minus strand), FOXE3 (forkhead box E3; plus strand). Cytogenetic location: 1p33.
Variant type: Microsatellite.
Coding change: c.828CGGCCC[3] on transcript NM_012186.3 (MANE Select); three copies in a row of the 6-base unit CGGCCC starting at c.828; the reference has two copies in a row; one copy, 6 bases duplicated.
Protein change: p.Pro280_Leu281insGlyPro.
Molecular consequence: inframe insertion.
Genome position (GRCh38, 1-based): chr1:47,417,149-47,417,154, CGGCCC duplicated; duplicating any 6 consecutive bases within chr1:47,417,139-47,417,154 gives the same sequence; the position shown is the placement nearest the transcript's 3' end. VCF-style (leftmost placement, unchanged base first): chr1-47417138-C-CGCCCCG. GRCh37 (hg19) VCF-style: chr1-47882810-C-CGCCCCG.
Identifiers: ClinVar variation 1762996 (VCV001762996.4), dbSNP rs1407030832, ClinGen allele CA736354815.
Genomic context (GRCh38, chr1:47,417,138, plus strand): 5'-GCCGCCGCCTCCCCGCCACTCTACTCGCAGGTCCCCGACCGCCTGGTACTGCCCGCGACG[C>CGCCCCG]GCCCCGGCCCCGGCCCGCTGCCCGCTGAGCCCCTCCTGGCCTTGGCCGGGCCGGCAGCCG-3'